The following is an entry in ClinVar:

ClinVar aggregate classification (germline): Likely pathogenic (1 of 4 stars; one submission).

Submission:

Quest Diagnostics Nichols Institute San Juan Capistrano
Classification: Likely pathogenic. Last evaluated: 2023-11-20. Review status: criteria provided, single submitter. Criteria: Quest Diagnostics criteria. Collection method: clinical testing. Allele origin: unknown.
Comment: The BAP1 c.1464dup (p.Ser489Glnfs*3) variant alters the translational reading frame of the BAP1 mRNA and is predicted to cause the premature termination of BAP1 protein synthesis. This variant has not been reported in individuals with BAP1-related conditions in the published literature. This variant has not been reported in large, multi-ethnic general populations (Genome Aggregation Database). Based on the available information, this variant is classified as likely pathogenic.

NM_004656.4(BAP1):c.1464dup (p.Ser489fs)

Gene: BAP1 (BRCA1 associated deubiquitinase 1; minus strand). Cytogenetic location: 3p21.1.
Variant type: Duplication.
Coding change: c.1464dup on transcript NM_004656.4 (MANE Select); coding-DNA position 1464, one base duplicated (C; older notation c.1464dupC).
Protein change: p.Ser489fs; shifts the reading frame from serine 489.
Molecular consequence: frameshift variant.
Genome position (GRCh38, 1-based): chr3:52,403,681, G duplicated on the plus strand (C on the coding strand, the reverse complement: BAP1 is on the minus strand); the first of 5 consecutive G bases (chr3:52,403,681-52,403,685); duplicating any one gives the same sequence. VCF-style (leftmost placement, unchanged base first): chr3-52403680-T-TG. GRCh37 (hg19) VCF-style: chr3-52437696-T-TG.
Other names: c.1410dup, p.Ser471fs (NM_001410772.1); short protein forms S489fs, S471fs.
Identifiers: ClinVar variation 3572238 (VCV003572238.1).